The following is an entry in ClinVar:

ClinVar aggregate classification (germline): Uncertain significance. Review status: criteria provided, multiple submitters, no conflicts (2 of 4 stars). 2 submissions from 2 submitters: Uncertain significance (2). Last evaluated 2024-09-03.

Conditions:
Hereditary cancer-predisposing syndrome. Also called: Hereditary Cancer Syndrome; Tumor predisposition; Neoplastic Syndromes, Hereditary; Hereditary neoplastic syndrome. Identifiers: Orphanet 140162, MedGen C0027672, MeSH D009386, MONDO:0015356.
Cardiovascular phenotype. Identifiers: MedGen CN230736.
Neurofibromatosis, type 1 (NF1). Also called: VON RECKLINGHAUSEN DISEASE; Neurofibromatosis, type I; NEUROFIBROMATOSIS, TYPE I, SOMATIC; Peripheral type neurofibromatosis. Identifiers: Orphanet 636, MedGen C0027831, MONDO:0018975, OMIM 162200. Disease mechanism: loss of function.

Submissions (2):

Labcorp Genetics (formerly Invitae), Labcorp
Classification: Uncertain significance for Neurofibromatosis, type 1. Last evaluated: 2024-09-03. Review status: criteria provided, single submitter. Criteria: Invitae Variant Classification Sherloc (09022015). Collection method: clinical testing. Allele origin: germline.
Comment: This sequence change replaces lysine, which is basic and polar, with threonine, which is neutral and polar, at codon 395 of the NF1 protein (p.Lys395Thr). This variant is not present in population databases (gnomAD no frequency). This variant has not been reported in the literature in individuals affected with NF1-related conditions. An algorithm developed to predict the effect of missense changes on protein structure and function (PolyPhen-2) suggests that this variant is likely to be disruptive. In summary, the available evidence is currently insufficient to determine the role of this variant in disease. Therefore, it has been classified as a Variant of Uncertain Significance.

Ambry Genetics
Classification: Uncertain significance for Cardiovascular phenotype; Hereditary cancer-predisposing syndrome. Last evaluated: 2023-10-25. Review status: criteria provided, single submitter. Criteria: Ambry Variant Classification Scheme 2023. Collection method: clinical testing. Allele origin: germline.
Comment: The p.K395T variant (also known as c.1184A>C), located in coding exon 10 of the NF1 gene, results from an A to C substitution at nucleotide position 1184. The lysine at codon 395 is replaced by threonine, an amino acid with similar properties. This amino acid position is highly conserved in available vertebrate species. In addition, this alteration is predicted to be deleterious by in silico analysis. Since supporting evidence is limited at this time, the clinical significance of this alteration remains unclear.

NM_001042492.3(NF1):c.1184A>C (p.Lys395Thr)

Gene: NF1 (neurofibromin 1; plus strand). Cytogenetic location: 17q11.2.
Variant type: single nucleotide variant.
Coding change: c.1184A>C on transcript NM_001042492.3 (MANE Select); coding-DNA position 1184, A replaced by C.
Protein change: p.Lys395Thr; replaces lysine 395 with threonine.
Molecular consequence: missense variant.
Genome position (GRCh38, 1-based): chr17:31,201,158, A>C. VCF-style: chr17-31201158-A-C. GRCh37 (hg19) VCF-style: chr17-29528176-A-C.
Other names: c.1184A>C, p.Lys395Thr (NM_000267.4, NM_001128147.3); short protein forms K395T.
Identifiers: ClinVar variation 3237987 (VCV003237987.3), dbSNP rs1227237238.
Genomic context (GRCh38, chr17:31,201,158, plus strand): 5'-TAATGATTGACTGCCTTGTTTCTTGCTTTCGTATAAGCCCTCACAACAACCAACACTTTA[A>C]GGTGAGAGCATTGGTTTTTATCTAACTATATTTACTGATGCTGTTATCCTTTATAAACAA-3'
Protein context (NP_001035957.1, residues 385-405): RISPHNNQHF[Lys395Thr]ICLAQNSPST